The following is an entry in ClinVar:

ClinVar aggregate classification (germline): Uncertain significance (1 of 4 stars; one submission).

gnomAD v4.1: 3 of 1,446,494 alleles (0.00021%); highest among the groups gnomAD compares: Non-Finnish European, 0.00027%; no homozygotes.

Submission:

Labcorp Genetics (formerly Invitae), Labcorp
Classification: Uncertain significance. Last evaluated: 2022-11-12. Review status: criteria provided, single submitter. Criteria: Invitae Variant Classification Sherloc (09022015). Collection method: clinical testing. Allele origin: germline.
Comment: In summary, the available evidence is currently insufficient to determine the role of this variant in disease. Therefore, it has been classified as a Variant of Uncertain Significance. This sequence change replaces tyrosine, which is neutral and polar, with cysteine, which is neutral and slightly polar, at codon 531 of the IFT88 protein (p.Tyr531Cys). This variant is not present in population databases (gnomAD no frequency). This variant has not been reported in the literature in individuals affected with IFT88-related conditions. Algorithms developed to predict the effect of missense changes on protein structure and function are either unavailable or do not agree on the potential impact of this missense change (SIFT: "Not Available"; PolyPhen-2: "Probably Damaging"; Align-GVGD: "Not Available").

NM_006531.5(IFT88):c.1565A>G (p.Tyr522Cys)

Gene: IFT88 (intraflagellar transport 88; plus strand). Cytogenetic location: 13q12.11.
Variant type: single nucleotide variant.
Coding change: c.1565A>G on transcript NM_006531.5 (MANE Select); coding-DNA position 1565, A replaced by G.
Protein change: p.Tyr522Cys; replaces tyrosine 522 with cysteine.
Molecular consequence: missense variant. On other transcripts: non-coding transcript variant (4).
Genome position (GRCh38, 1-based): chr13:20,638,510, A>G. VCF-style: chr13-20638510-A-G. GRCh37 (hg19) VCF-style: chr13-21212649-A-G.
Other names: c.1508A>G, p.Tyr503Cys (NM_001318491.2, NM_001353575.2); c.1592A>G, p.Tyr531Cys (NM_001318493.2, NM_001353565.2, NM_001353566.2 and 2 more transcripts); c.1565A>G, p.Tyr522Cys (NM_001353568.2, NM_001353572.2); c.1490A>G, p.Tyr497Cys (NM_001353569.2, NM_001353570.2, NM_001353576.2 and 1 more transcripts); c.1463A>G, p.Tyr488Cys (NM_001353571.2, NM_001353578.2); c.1421A>G, p.Tyr474Cys (NM_001353573.2); c.1406A>G, p.Tyr469Cys (NM_001353574.2); c.932A>G, p.Tyr311Cys (NM_001353579.2); short protein forms Y474C, Y503C, Y522C, Y531C, Y488C, Y497C, Y311C, Y469C.
Identifiers: ClinVar variation 2813852 (VCV002813852.3), dbSNP rs2548528695, ClinGen allele CA387473562.
Genomic context (GRCh38, chr13:20,638,510, plus strand): 5'-AGGCCGCTGAATTCTATAAAGAGGCTCTAAGAAATGATTCTTCTTGTACTGAAGCACTTT[A>G]TAATATTGGTAAGTGAAACAAGGGGAAATTGCTTTTTAAATTATTTATTTGCTTTGTATT-3'
Protein context (NP_006522.2, residues 512-532): RNDSSCTEAL[Tyr522Cys]NIGLTYEKLN